The following is an entry in ClinVar:

NM_006420.3(ARFGEF2):c.3585-13A>G

Gene: ARFGEF2 (ARF guanine nucleotide exchange factor 2; plus strand). Cytogenetic location: 20q13.13.
Variant type: single nucleotide variant.
Coding change: c.3585-13A>G on transcript NM_006420.3 (MANE Select); 13 bases into the intron before coding-DNA position 3585, A replaced by G.
Molecular consequence: intron variant.
Genome position (GRCh38, 1-based): chr20:49,010,219, A>G. VCF-style: chr20-49010219-A-G. GRCh37 (hg19) VCF-style: chr20-47626756-A-G.
Identifiers: ClinVar variation 668690 (VCV000668690.4), dbSNP rs1243383296, ClinGen allele CA636178908.
Genomic context (GRCh38, chr20:49,010,219, plus strand): 5'-GGGATGAGCTATGTTCATTTCTCTTCCCATTCTCCAAAGTACAGACGATATGGCCGTCCC[A>G]TTCTTTCCTCAGGTCTCCCACCATCCGGGACATGGCGATCCGCTGCATTGCCCAGATGGT-3'

ClinVar aggregate classification (germline): Likely benign. Review status: criteria provided, multiple submitters, no conflicts (2 of 4 stars). 2 submissions from 2 submitters: Likely benign (2). Last evaluated 2023-11-10.

Allele frequency attached by ClinVar (database versions not stated): TOPMed 0.00001; gnomAD exomes 0.00001.
gnomAD v4.1: 5 of 1,611,734 alleles (0.00031%); highest among the groups gnomAD compares: Admixed American, 0.0033%; no homozygotes.

Submissions (2):

Labcorp Genetics (formerly Invitae), Labcorp
Classification: Likely benign. Last evaluated: 2023-11-10. Review status: criteria provided, single submitter. Criteria: Invitae Variant Classification Sherloc (09022015). Collection method: clinical testing. Allele origin: germline.

GeneDx
Classification: Likely benign. Last evaluated: 2018-05-30. Review status: criteria provided, single submitter. Criteria: GeneDx Variant Classification (06012015). Collection method: clinical testing. Allele origin: germline. Affected: yes.
Comment: This variant is considered likely benign or benign based on one or more of the following criteria: it is a conservative change, it occurs at a poorly conserved position in the protein, it is predicted to be benign by multiple in silico algorithms, and/or has population frequency not consistent with disease.